The following is an entry in ClinVar:

NM_001166114.2(PNPLA6):c.1379_1381del (p.Pro460del)

Gene: PNPLA6 (patatin like domain 6, lysophospholipase; plus strand). Cytogenetic location: 19p13.2.
Variant type: Deletion.
Coding change: c.1379_1381del on transcript NM_001166114.2 (MANE Select); coding-DNA positions 1379 to 1381, 3 bases deleted (CTC; older notation c.1379_1381delCTC).
Protein change: p.Pro460del; deletes proline 460.
Molecular consequence: inframe deletion.
Genome position (GRCh38, 1-based): chr19:7,542,777-7,542,779, CTC deleted; deleting any 3 consecutive bases within chr19:7,542,776-7,542,779 gives the same sequence; the c. name uses the placement nearest the transcript's 3' end. VCF-style (leftmost placement, unchanged base first): chr19-7542775-GCCT-G. GRCh37 (hg19) VCF-style: chr19-7607661-GCCT-G.
Other names: c.1406_1408del, p.Pro469del (NM_001166111.2); c.1262_1264del, p.Pro421del (NM_001166112.2, NM_001166113.1, NM_006702.5); short protein forms P421del, P460del, P469del.
Identifiers: ClinVar variation 501596 (VCV000501596.10), dbSNP rs762850838, ClinGen allele CA9139803.

ClinVar aggregate classification (germline): Uncertain significance. Review status: criteria provided, multiple submitters, no conflicts (2 of 4 stars). 2 submissions from 2 submitters: Uncertain significance (2). Last evaluated 2022-08-15.

Conditions:
Hereditary spastic paraplegia 39 (SPG39). Also called: Spastic Paraplegia Type 39 (SPG39); SPASTIC PARAPLEGIA 39, AUTOSOMAL RECESSIVE. Identifiers: Orphanet 139480, MedGen C2677586, MONDO:0012787, OMIM 612020.

Submissions (2):

Labcorp Genetics (formerly Invitae), Labcorp
Classification: Uncertain significance for Hereditary spastic paraplegia 39. Last evaluated: 2022-08-15. Review status: criteria provided, single submitter. Criteria: Invitae Variant Classification Sherloc (09022015). Collection method: clinical testing. Allele origin: germline.
Comment: This variant, c.1262_1264del, results in the deletion of 1 amino acid(s) of the PNPLA6 protein (p.Pro421del), but otherwise preserves the integrity of the reading frame. This variant is present in population databases (rs762850838, gnomAD 0.003%). This variant has not been reported in the literature in individuals affected with PNPLA6-related conditions. ClinVar contains an entry for this variant (Variation ID: 501596). Algorithms developed to predict the effect of sequence changes on RNA splicing suggest that this variant may create or strengthen a splice site. In summary, the available evidence is currently insufficient to determine the role of this variant in disease. Therefore, it has been classified as a Variant of Uncertain Significance.

Eurofins Ntd Llc (ga)
Classification: Uncertain significance. Last evaluated: 2017-05-01. Review status: criteria provided, single submitter. Criteria: EGL Classification Definitions 2015. Collection method: clinical testing. Allele origin: germline. Observed: 1 variant allele, 1 heterozygote.